The following is an entry in ClinVar:

NM_033118.4(MYLK2):c.50C>T (p.Thr17Ile)

Gene: MYLK2 (myosin light chain kinase 2; plus strand). Cytogenetic location: 20q11.21.
Variant type: single nucleotide variant.
Coding change: c.50C>T on transcript NM_033118.4 (MANE Select); coding-DNA position 50, C replaced by T.
Protein change: p.Thr17Ile; replaces threonine 17 with isoleucine.
Molecular consequence: missense variant.
Genome position (GRCh38, 1-based): chr20:31,819,630, C>T. VCF-style: chr20-31819630-C-T. GRCh37 (hg19) VCF-style: chr20-30407433-C-T.
Other names: short protein forms T17I.
Identifiers: ClinVar variation 1062134 (VCV001062134.9), dbSNP rs192056427, ClinGen allele CA9802820.
Genomic context (GRCh38, chr20:31,819,630, plus strand): 5'-CTCCCTACCTCATGGCGACAGAAAATGGAGCAGTTGAGCTGGGAATTCAGAACCCATCAA[C>T]AGGTGCCAAGCTGGGGCAGGAGATGGAGGGAGGAGCTTGGGAAGGGGGGTTTTGAATCCA-3'
Protein context (NP_149109.1, residues 7-27): AVELGIQNPS[Thr17Ile]DKAPKGPTGE

ClinVar aggregate classification (germline): Uncertain significance (1 of 4 stars; one submission).

Conditions:
Hypertrophic cardiomyopathy 1 (CMH1). Also called: MYH7-Related Familial Hypertrophic Cardiomyopathy; Familial hypertrophic cardiomyopathy 1. Identifiers: MedGen C3495498, MONDO:0008647, OMIM 192600.

gnomAD v4.1: 4 of 1,551,582 alleles (0.00026%); highest among the groups gnomAD compares: South Asian, 0.0048%; no homozygotes.

Submission:

Labcorp Genetics (formerly Invitae), Labcorp
Classification: Uncertain significance for Hypertrophic cardiomyopathy 1. Last evaluated: 2020-12-22. Review status: criteria provided, single submitter. Criteria: Invitae Variant Classification Sherloc (09022015). Collection method: clinical testing. Allele origin: germline.
Comment: In summary, the available evidence is currently insufficient to determine the role of this variant in disease. Therefore, it has been classified as a Variant of Uncertain Significance. Algorithms developed to predict the effect of missense changes on protein structure and function are either unavailable or do not agree on the potential impact of this missense change (SIFT: "Tolerated"; PolyPhen-2: "Possibly Damaging"; Align-GVGD: "Class C0"). This variant has not been reported in the literature in individuals with MYLK2-related conditions. This variant is present in population databases (rs192056427, ExAC 0.01%). This sequence change replaces threonine with isoleucine at codon 17 of the MYLK2 protein (p.Thr17Ile). The threonine residue is moderately conserved and there is a moderate physicochemical difference between threonine and isoleucine.